The following is an entry in ClinVar:

NM_001540.5(HSPB1):c.522_523delinsCT (p.Gln175Ter)

Gene: HSPB1 (heat shock protein family B (small) member 1; plus strand). Cytogenetic location: 7q11.23.
Variant type: Indel.
Coding change: c.522_523delinsCT on transcript NM_001540.5 (MANE Select); coding-DNA positions 522 to 523, GC replaced by CT.
Protein change: p.Gln175Ter; replaces glutamine 175 with a stop codon.
Molecular consequence: nonsense.
Genome position (GRCh38, 1-based): chr7:76,304,077-76,304,078, GC replaced by CT. VCF-style: chr7-76304077-GC-CT. GRCh37 (hg19) VCF-style: chr7-75933394-GC-CT.
Other names: c.522_523delinsCT (LRG_248t1); short protein forms Q175*.
Identifiers: ClinVar variation 410713 (VCV000410713.8), dbSNP rs1060503021, ClinGen allele CA16612413.

ClinVar aggregate classification (germline): Pathogenic (1 of 4 stars; one submission).

Conditions:
Charcot-Marie-Tooth disease axonal type 2F (CMT2F). Also called: Charcot-Marie-Tooth Neuropathy Type 2F; CHARCOT-MARIE-TOOTH DISEASE, NEURONAL, TYPE 2F. Identifiers: Orphanet 99940, MedGen C1847823, MONDO:0011687, OMIM 606595.

Submission:

Labcorp Genetics (formerly Invitae), Labcorp
Classification: Pathogenic for Charcot-Marie-Tooth disease axonal type 2F. Last evaluated: 2024-02-23. Review status: criteria provided, single submitter. Criteria: Invitae Variant Classification Sherloc (09022015). Collection method: clinical testing. Allele origin: germline.
Comment: This sequence change creates a premature translational stop signal (p.Gln175*) in the HSPB1 gene. While this is not anticipated to result in nonsense mediated decay, it is expected to disrupt the last 31 amino acid(s) of the HSPB1 protein. Information on the frequency of this variant in the gnomAD database is not available, as this variant may be reported differently in the database. This premature translational stop signal has been observed in individuals with clinical features of Charcot-Marie-Tooth disease (PMID: 22734906; Invitae). It has also been observed to segregate with disease in related individuals. ClinVar contains an entry for this variant (Variation ID: 410713). This variant is located in a region of the HSPB1 protein where a significant number of HSPB1 nonsense and frameshift mutations have been reported in association with autosomal dominant HSPB1-related neuropathies (PMID: 22734906, 28144995, 33686258). For these reasons, this variant has been classified as Pathogenic.

Literature cited by the submitters: PubMed 22734906; PubMed 28144995; PubMed 33686258.